The following is an entry in ClinVar:

ClinVar aggregate classification (germline): Uncertain significance (1 of 4 stars; one submission).

Allele frequency attached by ClinVar (database versions not stated): gnomAD exomes below 0.00001; TOPMed 0.00002.
gnomAD v4.1: 1 of 1,612,132 alleles (0.000062%); highest among the groups gnomAD compares: African/African-American, 0.0013%; no homozygotes.

Submission:

Labcorp Genetics (formerly Invitae), Labcorp
Classification: Uncertain significance. Last evaluated: 2025-12-01. Review status: criteria provided, single submitter. Criteria: Invitae Variant Classification Sherloc (09022015). Collection method: clinical testing. Allele origin: germline.
Comment: This sequence change replaces valine, which is neutral and non-polar, with leucine, which is neutral and non-polar, at codon 1383 of the FRAS1 protein (p.Val1383Leu). This variant is not present in population databases (gnomAD no frequency). This variant has not been reported in the literature in individuals affected with FRAS1-related conditions. ClinVar contains an entry for this variant (Variation ID: 2125551). An algorithm developed to predict the effect of missense changes on protein structure and function outputs the following: PolyPhen-2: "Benign". The leucine amino acid residue is found in multiple mammalian species, which suggests that this missense change does not adversely affect protein function. In summary, the available evidence is currently insufficient to determine the role of this variant in disease. Therefore, it has been classified as a Variant of Uncertain Significance.

NM_025074.7(FRAS1):c.4147G>C (p.Val1383Leu)

Gene: FRAS1 (Fraser extracellular matrix complex subunit 1; plus strand). Cytogenetic location: 4q21.21.
Variant type: single nucleotide variant.
Coding change: c.4147G>C on transcript NM_025074.7 (MANE Select); coding-DNA position 4147, G replaced by C.
Protein change: p.Val1383Leu; replaces valine 1383 with leucine.
Molecular consequence: missense variant.
Genome position (GRCh38, 1-based): chr4:78,407,680, G>C. VCF-style: chr4-78407680-G-C. GRCh37 (hg19) VCF-style: chr4-79328834-G-C.
Other names: c.4147G>C, p.Val1383Leu (NM_001166133.2); short protein forms V1383L.
Identifiers: ClinVar variation 2125551 (VCV002125551.2), dbSNP rs1733154114, ClinGen allele CA357377837.